The following is an entry in ClinVar:

NM_003924.4(PHOX2B):c.661G>C (p.Ala221Pro)

Gene: PHOX2B (paired like homeobox 2B; minus strand). Cytogenetic location: 4p13.
Variant type: single nucleotide variant.
Coding change: c.661G>C on transcript NM_003924.4 (MANE Select); coding-DNA position 661, G replaced by C.
Protein change: p.Ala221Pro; replaces alanine 221 with proline.
Molecular consequence: missense variant.
Genome position (GRCh38, 1-based): chr4:41,746,091, C>G on the plus strand (G>C on the coding strand, the complement: PHOX2B is on the minus strand). VCF-style: chr4-41746091-C-G. GRCh37 (hg19) VCF-style: chr4-41748108-C-G.
Other names: c.661G>C (NM_003924.3); short protein forms A221P.
Identifiers: ClinVar variation 1051244 (VCV001051244.10), dbSNP rs746684161, ClinGen allele CA356737471.

ClinVar aggregate classification (germline): Uncertain significance. Review status: criteria provided, multiple submitters, no conflicts (2 of 4 stars). 2 submissions from 2 submitters: Uncertain significance (2). Last evaluated 2026-05-14.

Conditions:
Haddad syndrome (OHD). Also called: Ondine-Hirschsprung disease. Identifiers: Orphanet 99803, MedGen C1859049, MONDO:0020493.
Hereditary cancer-predisposing syndrome. Also called: Hereditary neoplastic syndrome; Neoplastic Syndromes, Hereditary; Tumor predisposition; Hereditary Cancer Syndrome. Identifiers: Orphanet 140162, MedGen C0027672, MeSH D009386, MONDO:0015356.

Submissions (2):

Ambry Genetics
Classification: Uncertain significance for Hereditary cancer-predisposing syndrome. Last evaluated: 2026-05-14. Review status: criteria provided, single submitter. Criteria: Ambry Variant Classification Scheme 2023. Collection method: clinical testing. Allele origin: germline.
Comment: The p.A221P variant (also known as c.661G>C), located in coding exon 3 of the PHOX2B gene, results from a G to C substitution at nucleotide position 661. The alanine at codon 221 is replaced by proline, an amino acid with highly similar properties. This amino acid position is conserved. In addition, this alteration is predicted to be tolerated by in silico analysis. Based on the available evidence, the clinical significance of this variant remains unclear.

Labcorp Genetics (formerly Invitae), Labcorp
Classification: Uncertain significance for Haddad syndrome. Last evaluated: 2020-07-27. Review status: criteria provided, single submitter. Criteria: Invitae Variant Classification Sherloc (09022015). Collection method: clinical testing. Allele origin: germline.
Comment: This sequence change replaces alanine with proline at codon 221 of the PHOX2B protein (p.Ala221Pro). The alanine residue is moderately conserved and there is a small physicochemical difference between alanine and proline. In summary, the available evidence is currently insufficient to determine the role of this variant in disease. Therefore, it has been classified as a Variant of Uncertain Significance. Algorithms developed to predict the effect of missense changes on protein structure and function are either unavailable or do not agree on the potential impact of this missense change (SIFT: "Tolerated"; PolyPhen-2: "Not Available"; Align-GVGD: "Class C0"). This variant has not been reported in the literature in individuals with PHOX2B-related conditions. This variant is not present in population databases (ExAC no frequency).